The following is an entry in ClinVar:

NM_004380.3(CREBBP):c.5029G>A (p.Glu1677Lys)

Gene: CREBBP (CREB binding lysine acetyltransferase; minus strand). Cytogenetic location: 16p13.3.
Variant type: single nucleotide variant.
Coding change: c.5029G>A on transcript NM_004380.3 (MANE Select); coding-DNA position 5029, G replaced by A.
Protein change: p.Glu1677Lys; replaces glutamic acid 1677 with lysine.
Molecular consequence: missense variant.
Genome position (GRCh38, 1-based): chr16:3,731,335, C>T on the plus strand (G>A on the coding strand, the complement: CREBBP is on the minus strand). VCF-style: chr16-3731335-C-T. GRCh37 (hg19) VCF-style: chr16-3781336-C-T.
Other names: c.4915G>A, p.Glu1639Lys (NM_001079846.1); short protein forms E1639K, E1677K.
Identifiers: ClinVar variation 4856357 (VCV004856357.1).

ClinVar aggregate classification (germline): Uncertain significance (1 of 4 stars; one submission).

Conditions:
Rubinstein-Taybi syndrome due to CREBBP mutations (RSTS1). Also called: BROAD THUMB-HALLUX SYNDROME; RUBINSTEIN SYNDROME; Rubinstein-Taybi syndrome 1; RUBINSTEIN-TAYBI SYNDROME 1, INCOMPLETE; BROAD THUMBS AND GREAT TOES, CHARACTERISTIC FACIES, AND IMPAIRED INTELLECTUAL DEVELOPMENT; CREBBP-Related Rubinstein-Taybi Syndrome. Identifiers: Orphanet 353277, Orphanet 783, MedGen C4551859, MONDO:0008393, OMIM 180849.

Submission:

3billion
Classification: Uncertain significance for Rubinstein-Taybi syndrome due to CREBBP mutations. Last evaluated: 2025-10-27. Review status: criteria provided, single submitter. Criteria: ACMG Guidelines, 2015. Collection method: clinical testing. Allele origin: germline. Affected: yes.
Comment: The variant is not observed in the gnomAD v4.1.0 dataset. Predicted Consequence/Location: Missense variant In silico tool predictions suggest damaging effect of the variant on gene or gene product [REVEL: 0.72 (>=0.6, sensitivity 0.68 and specificity 0.92); 3Cnet: 0.98 (> 0.75, sensitivity 0.96 and precision 0.92)]. Therefore, this variant is classified as VUS according to the recommendation of ACMG/AMP guideline.